The following is an entry in ClinVar:

ClinVar aggregate classification (germline): Uncertain significance (1 of 4 stars; one submission).

Allele frequency attached by ClinVar (database versions not stated): gnomAD 0.00001.
gnomAD v4.1: 4 of 1,548,520 alleles (0.00026%); highest among the groups gnomAD compares: African/African-American, 0.0014%; no homozygotes.

Submission:

Labcorp Genetics (formerly Invitae), Labcorp
Classification: Uncertain significance. Last evaluated: 2025-11-24. Review status: criteria provided, single submitter. Criteria: Invitae Variant Classification Sherloc (09022015). Collection method: clinical testing. Allele origin: germline.
Comment: This sequence change replaces phenylalanine, which is neutral and non-polar, with leucine, which is neutral and non-polar, at codon 623 of the BCL11B protein (p.Phe623Leu). The frequency data for this variant in the population databases is considered unreliable, as metrics indicate poor data quality at this position in the gnomAD database. This variant has not been reported in the literature in individuals affected with BCL11B-related conditions. ClinVar contains an entry for this variant (Variation ID: 1983889). Invitae Evidence Modeling of protein sequence and biophysical properties (such as structural, functional, and spatial information, amino acid conservation, physicochemical variation, residue mobility, and thermodynamic stability) indicates that this missense variant is not expected to disrupt BCL11B protein function with a negative predictive value of 95%. In summary, the available evidence is currently insufficient to determine the role of this variant in disease. Therefore, it has been classified as a Variant of Uncertain Significance.

NM_138576.4(BCL11B):c.1869C>A (p.Phe623Leu)

Gene: BCL11B (BCL11 transcription factor B; minus strand). Cytogenetic location: 14q32.2.
Variant type: single nucleotide variant.
Coding change: c.1869C>A on transcript NM_138576.4 (MANE Select); coding-DNA position 1869, C replaced by A.
Protein change: p.Phe623Leu; replaces phenylalanine 623 with leucine.
Molecular consequence: missense variant.
Genome position (GRCh38, 1-based): chr14:99,174,967, G>T on the plus strand (C>A on the coding strand, the complement: BCL11B is on the minus strand). VCF-style: chr14-99174967-G-T. GRCh37 (hg19) VCF-style: chr14-99641304-G-T.
Other names: c.1866C>A, p.Phe622Leu (NM_001282237.2); c.1653C>A, p.Phe551Leu (NM_001282238.2); c.1656C>A, p.Phe552Leu (NM_022898.3); short protein forms F622L, F623L, F551L, F552L.
Identifiers: ClinVar variation 1983889 (VCV001983889.4), dbSNP rs1256527125, ClinGen allele CA390934441.